The following is an entry in ClinVar:

ClinVar aggregate classification (germline): Likely pathogenic (1 of 4 stars; one submission).

Conditions:
Hereditary factor VIII deficiency disease (HEMA). Also called: Hemophilia A, congenital; HEM A; Factor 8 deficiency, congenital; HEMOPHILIA, CLASSIC; AUTOSOMAL HEMOPHILIA A; Hemophilia A. Identifiers: Orphanet 98878, MedGen C0019069, MONDO:0010602, OMIM 306700.

Submission:

Obstetrics Unit, Tongji Hospital, Huazhong University of Science and Technology
Classification: Likely pathogenic for Hereditary factor VIII deficiency disease. Last evaluated: 2024-12-25. Review status: criteria provided, single submitter. Criteria: ACMG Guidelines, 2015. Collection method: clinical testing. Allele origin: maternal. Affected: yes.
Comment: F8:NM_000132.3:exon14:c.4534G>T:p.E1512* Variant: possibly pathogenic (PVS1+PM2) Very strong evidence of pathogenicity PVS1: This variant mutates the corresponding codon to a stop codon, resulting in altered protein function; Moderate pathogenicity evidence PM2: the variant is found in the Human Exome Database (ExAC), Reference Population Thousand Genomes (1000G) and the Population Genome Mutation Frequency Database (gnomAD); This known variant is rated as DM in the HGMD database [PMID:25525159;20528906].

NM_000132.4(F8):c.4534G>T (p.Glu1512Ter)

Gene: F8 (coagulation factor VIII; minus strand). Cytogenetic location: Xq28.
Variant type: single nucleotide variant.
Coding change: c.4534G>T on transcript NM_000132.4 (MANE Select); coding-DNA position 4534, G replaced by T.
Protein change: p.Glu1512Ter; replaces glutamic acid 1512 with a stop codon.
Molecular consequence: nonsense.
Genome position (GRCh38, 1-based): chrX:154,929,256, C>A on the plus strand (G>T on the coding strand, the complement: F8 is on the minus strand). VCF-style: chrX-154929256-C-A. GRCh37 (hg19) VCF-style: chrX-154157531-C-A.
Other names: short protein forms E1512*.
Identifiers: ClinVar variation 3600342 (VCV003600342.1).